The following is an entry in ClinVar:

NM_000142.5(FGFR3):c.2333C>G (p.Pro778Arg)

Gene: FGFR3 (fibroblast growth factor receptor 3; plus strand). Cytogenetic location: 4p16.3.
Variant type: single nucleotide variant.
Coding change: c.2333C>G on transcript NM_000142.5 (MANE Select); coding-DNA position 2333, C replaced by G.
Protein change: p.Pro778Arg; replaces proline 778 with arginine.
Molecular consequence: missense variant. On other transcripts: synonymous variant (1), non-coding transcript variant (1).
Genome position (GRCh38, 1-based): chr4:1,807,174, C>G. VCF-style: chr4-1807174-C-G. GRCh37 (hg19) VCF-style: chr4-1808901-C-G.
Other names: c.2339C>G, p.Pro780Arg (NM_001163213.2); c.2336C>G, p.Pro779Arg (NM_001354809.2); c.2265C>G, p.Pro755= (NM_001354810.2); c.1997C>G, p.Pro666Arg (NM_022965.4); short protein forms P666R, P778R, P779R, P780R.
Identifiers: ClinVar variation 1680140 (VCV001680140.6), dbSNP rs1300271691, ClinGen allele CA355987607.

ClinVar aggregate classification (germline): Uncertain significance (1 of 4 stars; one submission).

Allele frequency attached by ClinVar (database versions not stated): gnomAD exomes below 0.00001; gnomAD 0.00001; TOPMed 0.00001.
gnomAD v4.1: 4 of 1,603,068 alleles (0.00025%); highest among the groups gnomAD compares: East Asian, 0.009%; no homozygotes.

Submission:

Labcorp Genetics (formerly Invitae), Labcorp
Classification: Uncertain significance. Last evaluated: 2023-07-10. Review status: criteria provided, single submitter. Criteria: Invitae Variant Classification Sherloc (09022015). Collection method: clinical testing. Allele origin: germline.
Comment: In summary, the available evidence is currently insufficient to determine the role of this variant in disease. Therefore, it has been classified as a Variant of Uncertain Significance. Advanced modeling of protein sequence and biophysical properties (such as structural, functional, and spatial information, amino acid conservation, physicochemical variation, residue mobility, and thermodynamic stability) performed at Invitae indicates that this missense variant is not expected to disrupt FGFR3 protein function. ClinVar contains an entry for this variant (Variation ID: 1680140). This variant has not been reported in the literature in individuals affected with FGFR3-related conditions. This variant is present in population databases (no rsID available, gnomAD 0.02%). This sequence change replaces proline, which is neutral and non-polar, with arginine, which is basic and polar, at codon 778 of the FGFR3 protein (p.Pro778Arg).